The following is an entry in ClinVar:

ClinVar aggregate classification (germline): Conflicting classifications of pathogenicity. Review status: criteria provided, conflicting classifications (1 of 4 stars). 2 submissions from 2 submitters: Uncertain significance (1); Likely benign (1). Last evaluated 2025-08-01.

Allele frequency attached by ClinVar (database versions not stated): ESP Exome Variant Server 0.00008; 1000 Genomes Project 0.00040; 1000 Genomes Project 30x 0.00062.
gnomAD v4.1: 101 of 1,613,790 alleles (0.0063%); highest among the groups gnomAD compares: Admixed American, 0.012%; 1 homozygote.

Submissions (2):

CeGaT Center for Human Genetics Tuebingen
Classification: Likely benign. Last evaluated: 2025-08-01. Review status: criteria provided, single submitter. Criteria: CeGaT Center For Human Genetics Tuebingen Variant Classification Criteria Version 2. Collection method: clinical testing. Allele origin: germline. Affected: yes. Observed: 1 variant allele.
Comment: FAM222B: BP4, BS2

Ambry Genetics
Classification: Uncertain significance. Last evaluated: 2023-11-06. Review status: criteria provided, single submitter. Criteria: Ambry Variant Classification Scheme 2023. Collection method: clinical testing. Allele origin: germline.

NM_001077498.3(FAM222B):c.1580G>A (p.Arg527Gln)

Gene: FAM222B (family with sequence similarity 222 member B; minus strand). Cytogenetic location: 17q11.2.
Variant type: single nucleotide variant.
Coding change: c.1580G>A on transcript NM_001077498.3 (MANE Select); coding-DNA position 1580, G replaced by A.
Protein change: p.Arg527Gln; replaces arginine 527 with glutamine.
Molecular consequence: missense variant.
Genome position (GRCh38, 1-based): chr17:28,758,379, C>T on the plus strand (G>A on the coding strand, the complement: FAM222B is on the minus strand). VCF-style: chr17-28758379-C-T. GRCh37 (hg19) VCF-style: chr17-27085397-C-T.
Other names: c.1586G>A, p.Arg529Gln (NM_001288631.2); c.1580G>A, p.Arg527Gln (NM_001288632.2, NM_001288633.2, NM_001288634.2 and 2 more transcripts); c.1196G>A, p.Arg399Gln (NM_001288636.2, NM_001288637.2, NM_001288638.2 and 2 more transcripts); short protein forms R399Q, R527Q, R529Q.
Identifiers: ClinVar variation 3092328 (VCV003092328.9), dbSNP rs201607912, ClinGen allele CA8468099.